The following is an entry in ClinVar:

NM_001134673.4(NFIA):c.1356G>A (p.Pro452=)

Gene: NFIA (nuclear factor I A; plus strand). Cytogenetic location: 1p31.3.
Variant type: single nucleotide variant.
Coding change: c.1356G>A on transcript NM_001134673.4 (MANE Select); coding-DNA position 1356, G replaced by A.
Protein change: p.Pro452=; no amino-acid change (proline 452 retained).
Molecular consequence: synonymous variant.
Genome position (GRCh38, 1-based): chr1:61,406,663, G>A. VCF-style: chr1-61406663-G-A. GRCh37 (hg19) VCF-style: chr1-61872335-G-A.
Other names: c.1332G>A, p.Pro444= (NM_001145511.2); c.1491G>A, p.Pro497= (NM_001145512.2); c.1356G>A, p.Pro452= (NM_005595.5).
Identifiers: ClinVar variation 2176248 (VCV002176248.14), dbSNP rs373667307, ClinGen allele CA881281.

ClinVar aggregate classification (germline): Likely benign. Review status: criteria provided, multiple submitters, no conflicts (2 of 4 stars). 2 submissions from 2 submitters: Likely benign (2). Last evaluated 2026-01-28.

Allele frequency attached by ClinVar (database versions not stated): TOPMed 0.00006; ESP Exome Variant Server 0.00008; gnomAD 0.00010; 1000 Genomes Project 0.00060; 1000 Genomes Project 30x 0.00062.
gnomAD v4.1: 281 of 1,608,020 alleles (0.017%); highest among the groups gnomAD compares: South Asian, 0.12%; 1 homozygote.

Submissions (2):

Labcorp Genetics (formerly Invitae), Labcorp
Classification: Likely benign. Last evaluated: 2026-01-28. Review status: criteria provided, single submitter. Criteria: Invitae Variant Classification Sherloc (09022015). Collection method: clinical testing. Allele origin: germline.

CeGaT Center for Human Genetics Tuebingen
Classification: Likely benign. Last evaluated: 2025-05-01. Review status: criteria provided, single submitter. Criteria: CeGaT Center For Human Genetics Tuebingen Variant Classification Criteria Version 2. Collection method: clinical testing. Allele origin: germline. Affected: yes. Observed: 1 variant allele.
Comment: NFIA: BP4, BP7